The following is an entry in ClinVar:

NM_000231.3(SGCG):c.386-1G>A

Gene: SGCG (sarcoglycan gamma; plus strand). Cytogenetic location: 13q12.12.
Variant type: single nucleotide variant.
Coding change: c.386-1G>A on transcript NM_000231.3 (MANE Select); the canonical splice acceptor site of the intron before coding-DNA position 386, G replaced by A.
Molecular consequence: splice acceptor variant.
Genome position (GRCh38, 1-based): chr13:23,279,358, G>A. VCF-style: chr13-23279358-G-A. GRCh37 (hg19) VCF-style: chr13-23853497-G-A.
Other names: c.440-1G>A (NM_001378244.1); c.386-1G>A (NM_001378245.1, NM_001378246.1).
Identifiers: ClinVar variation 553947 (VCV000553947.10), dbSNP rs913248720, ClinGen allele CA246649533.
Genomic context (GRCh38, chr13:23,279,358, plus strand): 5'-AATAGAGATTTGGACACTGCTTGTAGTGAACAGTTTATAATAAACTGTTTTAATTCTTCA[G>A]GTCCCAAAATGGTAGAAGTCCAGAATCAACAGTTTCAGATCAACTCCAACGACGGCAAGC-3'

ClinVar aggregate classification (germline): Pathogenic/Likely pathogenic. Review status: criteria provided, multiple submitters, no conflicts (2 of 4 stars). 5 submissions from 5 submitters: Pathogenic (2); Likely pathogenic (2). 1 of the submissions does not count toward it. Last evaluated 2025-12-24.

Conditions:
Autosomal recessive limb-girdle muscular dystrophy type 2C (LGMDR5). Also called: MUSCULAR DYSTROPHY, DUCHENNE-LIKE; MUSCULAR DYSTROPHY, LIMB-GIRDLE, AUTOSOMAL RECESSIVE 5. Identifiers: Orphanet 353, MedGen C0410173, MONDO:0009677, OMIM 253700. Disease mechanism: Affects gamma-sarcoglycan and also disrupts the integrity of the entire sarcoglycan complex..

Allele frequency attached by ClinVar (database versions not stated): gnomAD exomes below 0.00001; gnomAD 0.00002; TOPMed 0.00002.
gnomAD v4.1: 4 of 1,612,218 alleles (0.00025%); highest among the groups gnomAD compares: African/African-American, 0.0053%; no homozygotes.

Submissions (5):

Natera, Inc.
Classification: Likely pathogenic for Limb-girdle muscular dystrophy type 2C. Last evaluated: 2025-12-24. Review status: criteria provided, single submitter. Criteria: Natera Variant Classification Schema (03/2026). Collection method: clinical testing. Allele origin: germline.
Comment: The c.386-1G>A variant in SGCG is a canonical splice acceptor site variant predicted to affect pre-mRNA splicing, which may result in an abnormal transcript and altered protein product. This variant is expected to result in nonsense mediated decay, truncation, or a dysfunctional protein product. This variant is rare in the general population with a frequency below the threshold expected for the associated phenotype(s). Given the available evidence, this variant is classified as Likely Pathogenic.

Labcorp Genetics (formerly Invitae), Labcorp
Classification: Pathogenic for Autosomal recessive limb-girdle muscular dystrophy type 2C. Last evaluated: 2024-10-23. Review status: criteria provided, single submitter. Criteria: Invitae Variant Classification Sherloc (09022015). Collection method: clinical testing. Allele origin: germline.
Comment: This sequence change affects an acceptor splice site in intron 4 of the SGCG gene. It is expected to disrupt RNA splicing. Variants that disrupt the donor or acceptor splice site typically lead to a loss of protein function (PMID: 16199547), and loss-of-function variants in SGCG are known to be pathogenic (PMID: 18285821). This variant is not present in population databases (gnomAD no frequency). Disruption of this splice site has been observed in individual(s) with clinical features of limb-girdle muscular dystrophy (internal data). In at least one individual the data is consistent with being in trans (on the opposite chromosome) from a pathogenic variant. ClinVar contains an entry for this variant (Variation ID: 553947). Algorithms developed to predict the effect of sequence changes on RNA splicing suggest that this variant may disrupt the consensus splice site. For these reasons, this variant has been classified as Pathogenic.

Fulgent Genetics
Classification: Likely pathogenic for Autosomal recessive limb-girdle muscular dystrophy type 2C. Last evaluated: 2024-01-08. Review status: criteria provided, single submitter. Criteria: ACMG Guidelines, 2015. Collection method: clinical testing. Allele origin: germline.

Baylor Genetics
Classification: Pathogenic for Autosomal recessive limb-girdle muscular dystrophy type 2C. Last evaluated: 2023-09-21. Review status: criteria provided, single submitter. Criteria: ACMG Guidelines, 2015. Collection method: clinical testing. Allele origin: unknown.

Counsyl
Classification: Likely pathogenic for Autosomal recessive limb-girdle muscular dystrophy type 2C. Last evaluated: 2017-09-20. Review status: no assertion criteria provided. Collection method: clinical testing. Allele origin: unknown. Not counted in ClinVar's aggregate classification.

Literature cited by the submitters: PubMed 16199547 (cited by Labcorp Genetics (formerly Invitae), Labcorp); PubMed 18285821 (cited by Labcorp Genetics (formerly Invitae), Labcorp).